The following is an entry in ClinVar:

NM_001379291.1(BRD4):c.766dup (p.Gln256fs)

Gene: BRD4 (bromodomain containing 4; minus strand). Cytogenetic location: 19p13.12.
Variant type: Duplication.
Coding change: c.766dup on transcript NM_001379291.1 (MANE Select); coding-DNA position 766, one base duplicated (C; older notation c.766dupC).
Protein change: p.Gln256fs; shifts the reading frame from glutamine 256.
Molecular consequence: frameshift variant.
Genome position (GRCh38, 1-based): chr19:15,265,437, G duplicated on the plus strand (C on the coding strand, the reverse complement: BRD4 is on the minus strand); the first of 7 consecutive G bases (chr19:15,265,437-15,265,443); duplicating any one gives the same sequence. VCF-style (leftmost placement, unchanged base first): chr19-15265436-T-TG. GRCh37 (hg19) VCF-style: chr19-15376247-T-TG.
Other names: c.766dup (NM_058243.2); c.766dupC (NM_058243.2); c.766dup, p.Gln256fs (NM_001330384.2, NM_001379292.1, NM_014299.3 and 1 more transcripts); short protein forms Q256fs.
Identifiers: ClinVar variation 504087 (VCV000504087.5), dbSNP rs780128218, ClinGen allele CA9265536.

ClinVar aggregate classification (germline): Pathogenic/Likely pathogenic. Review status: criteria provided, multiple submitters, no conflicts (2 of 4 stars). 2 submissions from 2 submitters: Pathogenic (1); Likely pathogenic (1). Last evaluated 2025-10-24.

Conditions:
Cornelia de Lange syndrome 6 (CDLS6). Identifiers: MedGen C5882712, MONDO:0957921, OMIM 620568.

Submissions (2):

Dasa
Classification: Likely pathogenic for Cornelia de Lange syndrome 6. Last evaluated: 2025-10-24. Review status: criteria provided, single submitter. Criteria: DASA Assertion Criteria. Collection method: clinical testing. Allele origin: germline.
Comment: NM_001379291.1(BRD4):c.766dup (p.Gln256Profs*46) is a frameshift variant in BRD4 predicted to alter the reading frame and introduce a premature termination codon and is predicted to result in an absent or altered protein product. Loss of function is an established disease mechanism for BRD4-associated disorders. Also, this variant is rare in population databases. Based on the currently available evidence, this variant is classified as likely pathogenic.

GeneDx
Classification: Pathogenic. Last evaluated: 2024-11-06. Review status: criteria provided, single submitter. Criteria: GeneDx Variant Classification Process June 2021. Collection method: clinical testing. Allele origin: germline. Affected: yes.
Comment: Frameshift variant predicted to result in protein truncation or nonsense mediated decay in a gene for which loss of function is a known mechanism of disease; Has not been previously reported as a pathogenic or benign germline variant to our knowledge; This variant is associated with the following publications: (PMID: 34423517)